The following is an entry in ClinVar:

ClinVar aggregate classification (germline): Uncertain significance. Review status: criteria provided, multiple submitters, no conflicts (2 of 4 stars). 3 submissions from 3 submitters: Uncertain significance (3). Last evaluated 2025-06-22.

Conditions:
Aplastic anemia. Identifiers: Orphanet 182040, Orphanet 88, MedGen C0002874, MONDO:0015909, OMIM 609135, HP:0001915.
Microcephaly, normal intelligence and immunodeficiency (NBS). Also called: SEEMANOVA SYNDROME II; IMMUNODEFICIENCY, MICROCEPHALY, AND CHROMOSOMAL INSTABILITY; Immunodeficiency, microcephaly with normal intelligence; BERLIN BREAKAGE SYNDROME; Nijmegen breakage syndrome; Microcephaly with normal intelligence immunodeficiency and lymphoreticular malignancies. Identifiers: Orphanet 647, MedGen C0398791, MONDO:0009623, OMIM 251260.
Acute lymphoid leukemia (ALL). Also called: Acute lymphoblastic leukemia; Acute lymphocytic leukemia; Leukemia, acute lymphoblastic, somatic; Lymphoblastic leukemia. Identifiers: Orphanet 513, MedGen C0023449, MONDO:0004967, OMIM 613065, HP:0006721.
Hereditary cancer-predisposing syndrome. Also called: Hereditary neoplastic syndrome; Neoplastic Syndromes, Hereditary; Hereditary Cancer Syndrome; Tumor predisposition. Identifiers: Orphanet 140162, MedGen C0027672, MeSH D009386, MONDO:0015356.

Allele frequency attached by ClinVar (database versions not stated): gnomAD 0.00001; TOPMed 0.00002.
gnomAD v4.1: 3 of 1,613,926 alleles (0.00019%); highest among the groups gnomAD compares: Admixed American, 0.005%; no homozygotes.

Submissions (3):

Ambry Genetics
Classification: Uncertain significance for Hereditary cancer-predisposing syndrome. Last evaluated: 2025-06-22. Review status: criteria provided, single submitter. Criteria: Ambry Variant Classification Scheme 2023. Collection method: clinical testing. Allele origin: germline.
Comment: The p.H45Q variant (also known as c.135T>A), located in coding exon 2 of the NBN gene, results from a T to A substitution at nucleotide position 135. The histidine at codon 45 is replaced by glutamine, an amino acid with highly similar properties. This amino acid position is conserved. In addition, this alteration is predicted to be deleterious by in silico analysis. Based on the available evidence, the clinical significance of this variant remains unclear.

Fulgent Genetics
Classification: Uncertain significance for Microcephaly, normal intelligence and immunodeficiency; Aplastic anemia; Acute lymphoid leukemia. Last evaluated: 2022-04-18. Review status: criteria provided, single submitter. Criteria: ACMG Guidelines, 2015. Collection method: clinical testing. Allele origin: unknown.

Labcorp Genetics (formerly Invitae), Labcorp
Classification: Uncertain significance for Microcephaly, normal intelligence and immunodeficiency. Last evaluated: 2022-03-23. Review status: criteria provided, single submitter. Criteria: Invitae Variant Classification Sherloc (09022015). Collection method: clinical testing. Allele origin: germline.
Comment: This sequence change replaces histidine, which is basic and polar, with glutamine, which is neutral and polar, at codon 45 of the NBN protein (p.His45Gln). This variant is present in population databases (no rsID available, gnomAD 0.003%). In summary, the available evidence is currently insufficient to determine the role of this variant in disease. Therefore, it has been classified as a Variant of Uncertain Significance. Algorithms developed to predict the effect of missense changes on protein structure and function are either unavailable or do not agree on the potential impact of this missense change (SIFT: "Deleterious"; PolyPhen-2: "Probably Damaging"; Align-GVGD: "Class C0"). This variant has not been reported in the literature in individuals affected with NBN-related conditions.

NM_002485.5(NBN):c.135T>A (p.His45Gln)

Gene: NBN (nibrin; minus strand). Cytogenetic location: 8q21.3.
Variant type: single nucleotide variant.
Coding change: c.135T>A on transcript NM_002485.5 (MANE Select); coding-DNA position 135, T replaced by A.
Protein change: p.His45Gln; replaces histidine 45 with glutamine.
Molecular consequence: missense variant. On other transcripts: 5 prime UTR variant (1).
Genome position (GRCh38, 1-based): chr8:89,982,758, A>T on the plus strand (T>A on the coding strand, the complement: NBN is on the minus strand). VCF-style: chr8-89982758-A-T. GRCh37 (hg19) VCF-style: chr8-90994986-A-T.
Other names: c.-162T>A (NM_001024688.3); c.135T>A (NM_002485.4); short protein forms H45Q.
Identifiers: ClinVar variation 1395937 (VCV001395937.8), dbSNP rs770618624, ClinGen allele CA371663023.